The following is an entry in ClinVar:

ClinVar aggregate classification (germline): Pathogenic (1 of 4 stars; one submission).

Conditions:
Familial adenomatous polyposis 1 (FAP1). Also called: POLYPOSIS, ADENOMATOUS INTESTINAL; FAMILIAL ADENOMATOUS POLYPOSIS 1, ATTENUATED. Identifiers: MedGen C2713442, MONDO:0021056, OMIM 175100. Disease mechanism: loss of function.

Submission:

Myriad Genetics, Inc.
Classification: Pathogenic for Familial adenomatous polyposis 1. Last evaluated: 2023-05-08. Review status: criteria provided, single submitter. Criteria: Myriad Autosomal Dominant, Autosomal Recessive and X-Linked Classification Criteria (2023). Collection method: clinical testing. Allele origin: unknown.
Comment: This variant is considered pathogenic. This variant creates a frameshift predicted to result in premature protein truncation.

NM_000038.6(APC):c.3502del (p.Glu1168fs)

Gene: APC (APC regulator of Wnt signaling pathway; plus strand). Cytogenetic location: 5q22.2.
Variant type: Deletion.
Coding change: c.3502del on transcript NM_000038.6 (MANE Select); coding-DNA position 3502, one base deleted (G; older notation c.3502delG).
Protein change: p.Glu1168fs; shifts the reading frame from glutamic acid 1168.
Molecular consequence: frameshift variant. On other transcripts: non-coding transcript variant (2).
Genome position (GRCh38, 1-based): chr5:112,839,096, G deleted. VCF-style (leftmost placement, unchanged base first): chr5-112839095-TG-T. GRCh37 (hg19) VCF-style: chr5-112174792-TG-T.
Other names: c.3502del, p.Glu1168fs (NM_001127510.3, NM_001354895.2, NM_001407450.1); c.3448del, p.Glu1150fs (NM_001127511.3); c.3556del, p.Glu1186fs (NM_001354896.2, NM_001407447.1, NM_001407448.1 and 1 more transcripts); c.3532del, p.Glu1178fs (NM_001354897.2); c.3427del, p.Glu1143fs (NM_001354898.2); c.3418del, p.Glu1140fs (NM_001354899.2); c.3379del, p.Glu1127fs (NM_001354900.2); c.3325del, p.Glu1109fs (NM_001354901.2, NM_001407453.1); and 11 more; short protein forms E1008fs, E1039fs, E1042fs, E1067fs, E1077fs, E1085fs, E1109fs, E1127fs.
Identifiers: ClinVar variation 2583247 (VCV002583247.1), dbSNP rs2533503529, ClinGen allele CA2582341516.